The following is an entry in ClinVar:

ClinVar aggregate classification (germline): Uncertain significance (1 of 4 stars; one submission).

Submission:

Labcorp Genetics (formerly Invitae), Labcorp
Classification: Uncertain significance. Last evaluated: 2024-02-06. Review status: criteria provided, single submitter. Criteria: Invitae Variant Classification Sherloc (09022015). Collection method: clinical testing. Allele origin: germline.
Comment: This sequence change creates a premature translational stop signal (p.Gln110*) in the NLRP1 gene. It is expected to result in an absent or disrupted protein product. However, the current clinical and genetic evidence is not sufficient to establish whether loss-of-function variants in NLRP1 cause disease. The frequency data for this variant in the population databases is considered unreliable, as metrics indicate poor data quality at this position in the gnomAD database. This variant has not been reported in the literature in individuals affected with NLRP1-related conditions. Algorithms developed to predict the effect of sequence changes on RNA splicing suggest that this variant may disrupt the consensus splice site. In summary, the available evidence is currently insufficient to determine the role of this variant in disease. Therefore, it has been classified as a Variant of Uncertain Significance.

NM_033004.4(NLRP1):c.328C>T (p.Gln110Ter)

Gene: NLRP1 (NLR family pyrin domain containing 1; minus strand). Cytogenetic location: 17p13.2.
Variant type: single nucleotide variant.
Coding change: c.328C>T on transcript NM_033004.4 (MANE Select); coding-DNA position 328, C replaced by T.
Protein change: p.Gln110Ter; replaces glutamine 110 with a stop codon.
Molecular consequence: nonsense.
Genome position (GRCh38, 1-based): chr17:5,582,790, G>A on the plus strand (C>T on the coding strand, the complement: NLRP1 is on the minus strand). VCF-style: chr17-5582790-G-A. GRCh37 (hg19) VCF-style: chr17-5486110-G-A.
Other names: c.328C>T, p.Gln110Ter (NM_001033053.3, NM_014922.5, NM_033006.4 and 1 more transcripts); short protein forms Q110*.
Identifiers: ClinVar variation 3683602 (VCV003683602.2).